The following is an entry in ClinVar:

ClinVar aggregate classification (germline): Uncertain significance (1 of 4 stars; one submission).

Allele frequency attached by ClinVar (database versions not stated): gnomAD exomes below 0.00001.
gnomAD v4.1: 1 of 1,614,172 alleles (0.000062%); highest among the groups gnomAD compares: Non-Finnish European, 0.000085%; no homozygotes.

Submission:

GeneDx
Classification: Uncertain significance. Last evaluated: 2017-02-28. Review status: criteria provided, single submitter. Criteria: GeneDx Variant Classification (06012015). Collection method: clinical testing. Allele origin: germline. Affected: yes.
Comment: The M271I variant in the SFRP1 gene has not been reported previously as a pathogenic variant, nor as a benign variant, to our knowledge. The M271I variant is not observed in large population cohorts (Lek et al., 2016; 1000 Genomes Consortium et al., 2015; Exome Variant Server). The M271I variant is a conservative amino acid substitution, which is not likely to impact secondary protein structure as these residues share similar properties. This substitution occurs at a position where amino acids with similar properties to Methionine are tolerated across species. In silico analysis predicts this variant is probably damaging to the protein structure/function. We interpret M271I as a variant of uncertain significance.

NM_003012.5(SFRP1):c.813G>A (p.Met271Ile)

Gene: SFRP1 (secreted frizzled related protein 1; minus strand). Cytogenetic location: 8p11.21.
Variant type: single nucleotide variant.
Coding change: c.813G>A on transcript NM_003012.5 (MANE Select); coding-DNA position 813, G replaced by A.
Protein change: p.Met271Ile; replaces methionine 271 with isoleucine.
Molecular consequence: missense variant.
Genome position (GRCh38, 1-based): chr8:41,265,299, C>T on the plus strand (G>A on the coding strand, the complement: SFRP1 is on the minus strand). VCF-style: chr8-41265299-C-T. GRCh37 (hg19) VCF-style: chr8-41122818-C-T.
Other names: short protein forms M271I.
Identifiers: ClinVar variation 423660 (VCV000423660.2), dbSNP rs1064796559, ClinGen allele CA16618634.